The following is an entry in ClinVar:

NM_018668.5(VPS33B):c.274A>T (p.Met92Leu)

Gene: VPS33B (VPS33B late endosome and lysosome associated; minus strand). Cytogenetic location: 15q26.1.
Variant type: single nucleotide variant.
Coding change: c.274A>T on transcript NM_018668.5 (MANE Select); coding-DNA position 274, A replaced by T.
Protein change: p.Met92Leu; replaces methionine 92 with leucine.
Molecular consequence: missense variant. On other transcripts: initiator codon variant (1).
Genome position (GRCh38, 1-based): chr15:91,014,399, T>A on the plus strand (A>T on the coding strand, the complement: VPS33B is on the minus strand). VCF-style: chr15-91014399-T-A. GRCh37 (hg19) VCF-style: chr15-91557629-T-A.
Other names: c.193A>T, p.Met65Leu (NM_001289148.1); c.1A>T, p.Met1Leu (NM_001289149.1); short protein forms M65L, M1L, M92L.
Identifiers: ClinVar variation 3578222 (VCV003578222.2).

ClinVar aggregate classification (germline): Uncertain significance. Review status: criteria provided, multiple submitters, no conflicts (2 of 4 stars). 2 submissions from 2 submitters: Uncertain significance (2). Last evaluated 2025-08-01.

Conditions:
VPS33B-related disorder. Also called: VPS33B-related condition.
Keratoderma-ichthyosis-deafness syndrome, autosomal recessive (KDIDAR). Identifiers: MedGen C5774200, MONDO:0859278, OMIM 620009.
Cholestasis, progressive familial intrahepatic, 12 (PFIC12). Also called: CHOLESTASIS, ISOLATED LOW-GGT. Identifiers: MedGen C5774311, MONDO:0031040, OMIM 620010.
Arthrogryposis, renal dysfunction, and cholestasis 1 (ARCS1). Identifiers: Orphanet 2697, MedGen C1859722, MONDO:0008822, OMIM 208085.

Submissions (2):

PreventionGenetics, part of Exact Sciences
Classification: Uncertain significance for VPS33B-related condition. Last evaluated: 2025-08-01. Review status: criteria provided, single submitter. Criteria: ACMG Guidelines, 2015. Collection method: clinical testing. Allele origin: germline.
Comment: The VPS33B c.1A>T variant is predicted to disrupt the translation initiation site (Start Loss). This variant is also known as c.274A>T (p.Met92Leu) on an alternate transcript (NM_018668). To our knowledge, this variant has not been reported in the literature or in a large population database (gnomAD), indicating this variant is rare. At this time, the clinical significance of this variant is uncertain due to the absence of conclusive functional and genetic evidence.

Fulgent Genetics
Classification: Uncertain significance for Arthrogryposis, renal dysfunction, and cholestasis 1; Keratoderma-ichthyosis-deafness syndrome, autosomal recessive; Cholestasis, progressive familial intrahepatic, 12. Last evaluated: 2024-01-02. Review status: criteria provided, single submitter. Criteria: ACMG Guidelines, 2015. Collection method: clinical testing. Allele origin: germline.